The following is an entry in ClinVar:

NM_001123396.4(CCR2):c.586C>T (p.Arg196Ter)

Gene: CCR2 (C-C motif chemokine receptor 2; plus strand). Cytogenetic location: 3p21.31.
Variant type: single nucleotide variant.
Coding change: c.586C>T on transcript NM_001123396.4 (MANE Select); coding-DNA position 586, C replaced by T.
Protein change: p.Arg196Ter; replaces arginine 196 with a stop codon.
Molecular consequence: nonsense.
Genome position (GRCh38, 1-based): chr3:46,358,113, C>T. VCF-style: chr3-46358113-C-T. GRCh37 (hg19) VCF-style: chr3-46399604-C-T.
Other names: c.586C>T, p.Arg196Ter (NM_001123041.3); short protein forms R196*.
Identifiers: ClinVar variation 4850565 (VCV004850565.1).
Genomic context (GRCh38, chr3:46,358,113, plus strand): 5'-ATCATCTTTACTAAATGCCAGAAAGAAGATTCTGTTTATGTCTGTGGCCCTTATTTTCCA[C>T]GAGGATGGAATAATTTCCACACAATAATGAGGAACATTTTGGGGCTGGTCCTGCCGCTGC-3'

ClinVar aggregate classification (germline): Likely pathogenic (1 of 4 stars; one submission).

Conditions:
Cystic disease of lung (PCLUD). Identifiers: MedGen C1384901, MONDO:0009060, OMIM 219600.

gnomAD v4.1: 4 of 1,613,964 alleles (0.00025%); highest among the groups gnomAD compares: Admixed American, 0.0017%; no homozygotes.

Submission:

First Genomix Gene Laboratory, Genetic Diagnostics Department
Classification: Likely pathogenic for Cystic disease of lung. Last evaluated: 2025-08-01. Review status: criteria provided, single submitter. Criteria: ACMG Guidelines, 2015. Collection method: clinical testing. Allele origin: germline. Inheritance: Autosomal recessive inheritance. Affected: no. Observed: 1 variant allele.